The following is an entry in ClinVar:

NM_024649.5(BBS1):c.1348C>T (p.Arg450Trp)

Genes: BBS1 (Bardet-Biedl syndrome 1; plus strand), ZDHHC24 (zDHHC palmitoyltransferase 24; minus strand). Cytogenetic location: 11q13.2.
Variant type: single nucleotide variant.
Coding change: c.1348C>T on transcript NM_024649.5 (MANE Select); coding-DNA position 1348, C replaced by T.
Protein change: p.Arg450Trp; replaces arginine 450 with tryptophan.
Molecular consequence: missense variant. On other transcripts: intron variant (1).
Genome position (GRCh38, 1-based): chr11:66,529,827, C>T. VCF-style: chr11-66529827-C-T. GRCh37 (hg19) VCF-style: chr11-66297298-C-T.
Other names: c.560-339G>A (NM_001348571.2); short protein forms R450W.
Identifiers: ClinVar variation 1910949 (VCV001910949.3), dbSNP rs746824022, ClinGen allele CA6123747.
Genomic context (GRCh38, chr11:66,529,827, plus strand): 5'-CTCCCTGCCACCCCCCACCTCCACCGTCAGCCTCTGGGACCCTTCTCCACAGCCATGCAC[C>T]GGGCCTTCCAGACAGACCTATACCTGCTGCGCCTACGTGCTGCCCGCGCCTACCTGCAGG-3'
Protein context (NP_078925.3, residues 440-460): REREAGTAMH[Arg450Trp]AFQTDLYLLR

ClinVar aggregate classification (germline): Uncertain significance. Review status: criteria provided, multiple submitters, no conflicts (2 of 4 stars). 2 submissions from 2 submitters: Uncertain significance (2). Last evaluated 2026-07-28.

Conditions:
BBS1-related disorder. Also called: BBS1-related condition.
Bardet-Biedl syndrome (BBS). Identifiers: Orphanet 110, MedGen C0752166, MONDO:0015229.

Allele frequency attached by ClinVar (database versions not stated): gnomAD 0.00001; ExAC 0.00001; gnomAD exomes 0.00001; TOPMed 0.00001.
gnomAD v4.1: 14 of 1,611,144 alleles (0.00087%); highest among the groups gnomAD compares: East Asian, 0.0067%; no homozygotes.

Submissions (2):

PreventionGenetics, part of Exact Sciences
Classification: Uncertain significance for BBS1-related condition. Last evaluated: 2026-07-28. Review status: criteria provided, single submitter. Criteria: ACMG Guidelines, 2015. Collection method: clinical testing. Allele origin: germline.
Comment: The BBS1 c.1348C>T variant is predicted to result in the amino acid substitution p.Arg450Trp. To our knowledge, this variant has not been reported in the literature. This variant is reported in 0.0097% of alleles in individuals of Ashkenazi Jewish descent in gnomAD. At this time, the clinical significance of this variant is uncertain due to the absence of conclusive functional and genetic evidence.

Labcorp Genetics (formerly Invitae), Labcorp
Classification: Uncertain significance for Bardet-Biedl syndrome. Last evaluated: 2022-05-21. Review status: criteria provided, single submitter. Criteria: Invitae Variant Classification Sherloc (09022015). Collection method: clinical testing. Allele origin: germline.
Comment: This sequence change replaces arginine, which is basic and polar, with tryptophan, which is neutral and slightly polar, at codon 450 of the BBS1 protein (p.Arg450Trp). This variant is present in population databases (rs746824022, gnomAD 0.01%). This variant has not been reported in the literature in individuals affected with BBS1-related conditions. Algorithms developed to predict the effect of missense changes on protein structure and function are either unavailable or do not agree on the potential impact of this missense change (SIFT: "Deleterious"; PolyPhen-2: "Probably Damaging"; Align-GVGD: "Class C0"). Algorithms developed to predict the effect of sequence changes on RNA splicing suggest that this variant may create or strengthen a splice site. In summary, the available evidence is currently insufficient to determine the role of this variant in disease. Therefore, it has been classified as a Variant of Uncertain Significance.